The following is an entry in ClinVar:

ClinVar aggregate classification (germline): Pathogenic (1 of 4 stars; one submission).

Submission:

Labcorp Genetics (formerly Invitae), Labcorp
Classification: Pathogenic. Last evaluated: 2023-11-06. Review status: criteria provided, single submitter. Criteria: Invitae Variant Classification Sherloc (09022015). Collection method: clinical testing. Allele origin: germline.
Comment: This sequence change creates a premature translational stop signal (p.Lys157Argfs*9) in the COL11A2 gene. It is expected to result in an absent or disrupted protein product. Loss-of-function variants in COL11A2 are known to be pathogenic (PMID: 10677296, 21204229). This variant is not present in population databases (gnomAD no frequency). This variant has not been reported in the literature in individuals affected with COL11A2-related conditions. For these reasons, this variant has been classified as Pathogenic.

Literature cited by the submitters: PubMed 10677296; PubMed 21204229.

NM_080680.3(COL11A2):c.470_471del (p.Lys157fs)

Gene: COL11A2 (collagen type XI alpha 2 chain; minus strand). Cytogenetic location: 6p21.32.
Variant type: Deletion.
Coding change: c.470_471del on transcript NM_080680.3 (MANE Select); coding-DNA positions 470 to 471, 2 bases deleted (AG; older notation c.470_471delAG).
Protein change: p.Lys157fs; shifts the reading frame from lysine 157.
Molecular consequence: frameshift variant. On other transcripts: 5 prime UTR variant (3), non-coding transcript variant (1).
Genome position (GRCh38, 1-based): chr6:33,188,497-33,188,498, CT deleted on the plus strand (AG on the coding strand, the reverse complement: COL11A2 is on the minus strand). VCF-style (leftmost placement, unchanged base first): chr6-33188496-CCT-C. GRCh37 (hg19) VCF-style: chr6-33156273-CCT-C.
Other names: c.470_471del, p.Lys157fs (NM_001163771.2, NM_001424108.1, NM_080679.3 and 1 more transcripts); c.-377_-376del (NM_001424109.1, NM_001424110.1, NM_001424111.1); short protein forms K157fs.
Identifiers: ClinVar variation 2693928 (VCV002693928.3), dbSNP rs2535537688, ClinGen allele CA2697553253.